The following is an entry in ClinVar:

ClinVar aggregate classification (germline): Likely benign. Review status: criteria provided, single submitter (1 of 4 stars). 2 submissions from 2 submitters: Likely benign (1). 1 of the submissions does not count toward it. Last evaluated 2021-10-24.

Conditions:
ERBB4-related disorder. Also called: ERBB4-related condition.

Allele frequency attached by ClinVar (database versions not stated): gnomAD exomes 0.00002; TOPMed 0.00005; gnomAD 0.00006; ESP Exome Variant Server 0.00008.
gnomAD v4.1: 38 of 1,614,054 alleles (0.0024%); highest among the groups gnomAD compares: African/African-American, 0.019%; no homozygotes.

Submissions (2):

Labcorp Genetics (formerly Invitae), Labcorp
Classification: Likely benign. Last evaluated: 2021-10-24. Review status: criteria provided, single submitter. Criteria: Invitae Variant Classification Sherloc (09022015). Collection method: clinical testing. Allele origin: germline.

PreventionGenetics, part of Exact Sciences
Classification: Likely benign for ERBB4-related condition. Last evaluated: 2022-12-09. Review status: no assertion criteria provided. Collection method: clinical testing. Allele origin: germline. Not counted in ClinVar's aggregate classification.
Comment: This variant is classified as likely benign based on ACMG/AMP sequence variant interpretation guidelines (Richards et al. 2015 PMID: 25741868, with internal and published modifications).

NM_005235.3(ERBB4):c.675C>T (p.Tyr225=)

Gene: ERBB4 (erb-b2 receptor tyrosine kinase 4; minus strand). Cytogenetic location: 2q34.
Variant type: single nucleotide variant.
Coding change: c.675C>T on transcript NM_005235.3 (MANE Select); coding-DNA position 675, C replaced by T.
Protein change: p.Tyr225=; no amino-acid change (tyrosine 225 retained).
Molecular consequence: synonymous variant.
Genome position (GRCh38, 1-based): chr2:211,725,142, G>A on the plus strand (C>T on the coding strand, the complement: ERBB4 is on the minus strand). VCF-style: chr2-211725142-G-A. GRCh37 (hg19) VCF-style: chr2-212589867-G-A.
Other names: c.675C>T, p.Tyr225= (NM_001042599.2).
Identifiers: ClinVar variation 1544779 (VCV001544779.9), dbSNP rs375082554, ClinGen allele CA64769540.
Genomic context (GRCh38, chr2:211,725,142, plus strand): 5'-GTCTGTGTCCTTAGGTCCTGAGCAGCCTCCAGCACATTCTCGATGGCAGCAGTCACTGAC[G>A]TAAGGTCCGTAGCATCTGCCGTCACATTGTTCTGCACACACCGTCCTTGTCACTGCAGAA-3'
Protein context (NP_005226.1, residues 215-235): EQCDGRCYGP[Tyr225=]VSDCCHRECA